The following is an entry in ClinVar:

NM_001378452.1(ITPR1):c.1832C>A (p.Thr611Asn)

Gene: ITPR1 (inositol 1,4,5-trisphosphate receptor type 1; plus strand). Cytogenetic location: 3p26.1.
Variant type: single nucleotide variant.
Coding change: c.1832C>A on transcript NM_001378452.1 (MANE Select); coding-DNA position 1832, C replaced by A.
Protein change: p.Thr611Asn; replaces threonine 611 with asparagine.
Molecular consequence: missense variant.
Genome position (GRCh38, 1-based): chr3:4,667,495, C>A. VCF-style: chr3-4667495-C-A. GRCh37 (hg19) VCF-style: chr3-4709179-C-A.
Other names: c.1832C>A, p.Thr611Asn (NM_001099952.4); c.1787C>A, p.Thr596Asn (NM_001168272.2, NM_002222.7); short protein forms T596N, T611N.
Identifiers: ClinVar variation 451526 (VCV000451526.2), dbSNP rs1553682680, ClinGen allele CA351643114.
Genomic context (GRCh38, chr3:4,667,495, plus strand): 5'-CTGAAGACACTATCACTGCCCTGCTCCACAATAATCGGAAACTCCTGGAAAAACACATTA[C>A]CGCGGCAGAGATTGACACATTTGTCAGCCTGGTGCGAAAGAACAGGGAGCCCAGGTGAGG-3'
Protein context (NP_001365381.1, residues 601-621): NNRKLLEKHI[Thr611Asn]AAEIDTFVSL

ClinVar aggregate classification (germline): Uncertain significance (1 of 4 stars; one submission).

Submission:

GeneDx
Classification: Uncertain significance. Last evaluated: 2017-08-29. Review status: criteria provided, single submitter. Criteria: GeneDx Variant Classification (06012015). Collection method: clinical testing. Allele origin: germline. Affected: yes.
Comment: The T596N variant in the ITPR1 gene has not been reported previously as a pathogenic variant, nor as a benign variant, to our knowledge. This variant is not observed in large population cohorts (Lek et al., 2016; 1000 Genomes Consortium et al., 2015; Exome Variant Server). The T596N variant is a conservative amino acid substitution, which is not likely to impact secondary protein structure as these residues share similar properties. This substitution occurs at a position that is conserved across species. In silico analysis predicts this variant is probably damaging to the protein structure/function. We interpret T596N as a variant of uncertain significance.